The following is an entry in ClinVar:

ClinVar aggregate classification (germline): Uncertain significance (1 of 4 stars; one submission).

Conditions:
UCP3-related disorder. Also called: UCP3-related condition.

Submission:

PreventionGenetics, part of Exact Sciences
Classification: Uncertain significance for UCP3-related condition. Last evaluated: 2025-01-03. Review status: criteria provided, single submitter. Criteria: ACMG Guidelines, 2015. Collection method: clinical testing. Allele origin: germline.
Comment: The UCP3 c.207G>A variant is not predicted to result in an amino acid change (p.=). This variant is predicted to alter splicing based on available splicing prediction programs (SpliceAI, Jaganathan et al. 2019. PubMed ID: 30661751). However, such computer prediction programs are imperfect. To our knowledge, this variant has not been reported in the literature. This variant is reported in 0.0063% of alleles in individuals of African descent in gnomAD. At this time, the clinical significance of this variant is uncertain due to the absence of conclusive functional and genetic evidence.

NM_003356.4(UCP3):c.207G>A (p.Val69=)

Gene: UCP3 (uncoupling protein 3; minus strand). Cytogenetic location: 11q13.4.
Variant type: single nucleotide variant.
Coding change: c.207G>A on transcript NM_003356.4 (MANE Select); coding-DNA position 207, G replaced by A.
Protein change: p.Val69=; no amino-acid change (valine 69 retained).
Molecular consequence: synonymous variant.
Genome position (GRCh38, 1-based): chr11:74,006,299, C>T on the plus strand (G>A on the coding strand, the complement: UCP3 is on the minus strand). VCF-style: chr11-74006299-C-T. GRCh37 (hg19) VCF-style: chr11-73717344-C-T.
Other names: c.207G>A, p.Val69= (NM_022803.3).
Identifiers: ClinVar variation 4980548 (VCV004980548.1).